The following is an entry in ClinVar:

ClinVar aggregate classification (germline): Benign/Likely benign. Review status: criteria provided, multiple submitters, no conflicts (2 of 4 stars). 4 submissions from 4 submitters: Benign (2); Likely benign (2). Last evaluated 2026-09-01.

Conditions:
MYO9A-related disorder. Also called: MYO9A-related condition.

Allele frequency attached by ClinVar (database versions not stated): 1000 Genomes Project 0.00200; 1000 Genomes Project 30x 0.00219; TOPMed 0.00408; gnomAD 0.00482 and 0.00497; ESP Exome Variant Server 0.00493; ExAC 0.00501; gnomAD exomes 0.00522 and 0.00755.
gnomAD v4.1: 11,625 of 1,602,312 alleles (0.73%); highest among the groups gnomAD compares: Non-Finnish European, 0.83%; 57 homozygotes.

Submissions (9):

CeGaT Center for Human Genetics Tuebingen
Classification: Likely benign. Last evaluated: 2026-09-01. Review status: criteria provided, single submitter. Criteria: CeGaT Center For Human Genetics Tuebingen Variant Classification Criteria Version 2. Collection method: clinical testing. Allele origin: germline. Affected: yes. Observed: 5 variant alleles.
Comment: MYO9A: BP4, BS2

PreventionGenetics, part of Exact Sciences
Classification: Likely benign for MYO9A-related condition. Last evaluated: 2025-04-29. Review status: criteria provided, single submitter. Criteria: ACMG Guidelines, 2015. Collection method: clinical testing. Allele origin: germline.
Comment: This variant is classified as likely benign based on ACMG/AMP sequence variant interpretation guidelines (Richards et al. 2015 PMID: 25741868, with internal and published modifications).

Labcorp Genetics (formerly Invitae), Labcorp
Classification: Benign. Last evaluated: 2019-12-31. Review status: criteria provided, single submitter. Criteria: Invitae Variant Classification Sherloc (09022015). Collection method: clinical testing. Allele origin: germline.

Breakthrough Genomics
Classification: Benign. Review status: criteria provided, single submitter. Criteria: ACMG Guidelines, 2015. Collection method: not provided. Allele origin: germline. Inheritance: Autosomal recessive inheritance. Affected: yes.

Dr. Peter K. Rogan Lab, Western University
No classification provided (evidence only). Condition: Clear cell carcinoma of kidney. Review status: no classification provided. Collection method: in vitro. Allele origin: not applicable. Functional consequence: retained intron. Not counted in ClinVar's aggregate classification.

Dr. Peter K. Rogan Lab, Western University
No classification provided (evidence only). Condition: Lung cancer. Review status: no classification provided. Collection method: in vitro. Allele origin: not applicable. Functional consequence: retained intron. Not counted in ClinVar's aggregate classification.

Dr. Peter K. Rogan Lab, Western University
No classification provided (evidence only). Condition: Lung cancer. Review status: no classification provided. Collection method: in vitro. Allele origin: not applicable. Functional consequence: retained intron. Not counted in ClinVar's aggregate classification.

Dr. Peter K. Rogan Lab, Western University
No classification provided (evidence only). Condition: Acute myeloid leukemia. Review status: no classification provided. Collection method: in vitro. Allele origin: not applicable. Functional consequence: retained intron. Not counted in ClinVar's aggregate classification.

Dr. Peter K. Rogan Lab, Western University
No classification provided (evidence only). Condition: Malignant tumor of esophagus. Review status: no classification provided. Collection method: in vitro. Allele origin: not applicable. Functional consequence: retained intron. Not counted in ClinVar's aggregate classification.

NM_006901.4(MYO9A):c.1986+3C>A

Gene: MYO9A (myosin IXA; minus strand). Cytogenetic location: 15q23.
Variant type: single nucleotide variant.
Coding change: c.1986+3C>A on transcript NM_006901.4 (MANE Select); 3 bases into the intron after coding-DNA position 1986, C replaced by A.
Molecular consequence: intron variant.
Genome position (GRCh38, 1-based): chr15:71,967,981, G>T on the plus strand (C>A on the coding strand, the complement: MYO9A is on the minus strand). VCF-style: chr15-71967981-G-T. GRCh37 (hg19) VCF-style: chr15-72260322-G-T.
Other names: NC_000015.9:g.72260322G>T.
Identifiers: ClinVar variation 708237 (VCV000708237.24), dbSNP rs118109377, ClinGen allele CA7642053.